The following is an entry in ClinVar:

NM_001040716.2(PC):c.2682T>C (p.Tyr894=)

Gene: PC (pyruvate carboxylase; minus strand). Cytogenetic location: 11q13.2.
Variant type: single nucleotide variant.
Coding change: c.2682T>C on transcript NM_001040716.2 (MANE Select); coding-DNA position 2682, T replaced by C.
Protein change: p.Tyr894=; no amino-acid change (tyrosine 894 retained).
Molecular consequence: synonymous variant.
Genome position (GRCh38, 1-based): chr11:66,850,256, A>G on the plus strand (T>C on the coding strand, the complement: PC is on the minus strand). VCF-style: chr11-66850256-A-G. GRCh37 (hg19) VCF-style: chr11-66617727-A-G.
Other names: p.Y894Y:TAT>TAC; p.Tyr894=; c.2682T>C, p.Tyr894= (NM_000920.4, NM_022172.3).
Identifiers: ClinVar variation 203902 (VCV000203902.16), dbSNP rs56705397, ClinGen allele CA312866.

ClinVar aggregate classification (germline): Benign/Likely benign. Review status: criteria provided, multiple submitters, no conflicts (2 of 4 stars). 4 submissions from 4 submitters: Benign (3); Likely benign (1). Last evaluated 2026-02-04.

Conditions:
Pyruvate carboxylase deficiency. Also called: LEIGH NECROTIZING ENCEPHALOPATHY DUE TO PYRUVATE CARBOXYLASE DEFICIENCY; LEIGH SYNDROME DUE TO PYRUVATE CARBOXYLASE DEFICIENCY; PC DEFICIENCY; ATAXIA WITH LACTIC ACIDOSIS II; Pyruvate Carboxylase Deficiency Disease. Identifiers: Orphanet 3008, MedGen C0034341, MONDO:0009949, OMIM 266150.

Allele frequency attached by ClinVar (database versions not stated): gnomAD exomes 0.00048 and 0.00134; ExAC 0.00164; 1000 Genomes Project 30x 0.00453; 1000 Genomes Project 0.00519; gnomAD 0.00553 and 0.00598; TOPMed 0.00577; ESP Exome Variant Server 0.00616.
gnomAD v4.1: 1,558 of 1,614,076 alleles (0.097%); highest among the groups gnomAD compares: African/African-American, 1.9%; 14 homozygotes.

Submissions (4):

Labcorp Genetics (formerly Invitae), Labcorp
Classification: Benign for Pyruvate carboxylase deficiency. Last evaluated: 2026-02-04. Review status: criteria provided, single submitter. Criteria: Invitae Variant Classification Sherloc (09022015). Collection method: clinical testing. Allele origin: germline.

Mayo Clinic Laboratories, Mayo Clinic
Classification: Likely benign. Last evaluated: 2025-06-18. Review status: criteria provided, single submitter. Criteria: ACMG Guidelines, 2015. Collection method: clinical testing. Allele origin: germline. Observed: 3 variant alleles.
Comment: BA1, BP4

Illumina Laboratory Services, Illumina
Classification: Benign for Pyruvate carboxylase deficiency. Last evaluated: 2018-01-12. Review status: criteria provided, single submitter. Criteria: ICSL Variant Classification Criteria 13 December 2019. Collection method: clinical testing. Allele origin: germline.
Comment: This variant was observed in the ICSL laboratory as part of a predisposition screen in an ostensibly healthy population. It had not been previously curated by ICSL or reported in the Human Gene Mutation Database (HGMD: prior to June 1st, 2018), and was therefore a candidate for classification through an automated scoring system. Utilizing variant allele frequency, disease prevalence and penetrance estimates, and inheritance mode, an automated score was calculated to assess if this variant is too frequent to cause the disease. Based on the score and internal cut-off values, a variant classified as benign is not then subjected to further curation. The score for this variant resulted in a classification of benign for this disease.

GeneDx
Classification: Benign. Last evaluated: 2014-09-16. Review status: criteria provided, single submitter. Criteria: GeneDx Variant Classification (06012015). Collection method: clinical testing. Allele origin: germline. Affected: yes.
Comment: This variant is considered likely benign or benign based on one or more of the following criteria: it is a conservative change, it occurs at a poorly conserved position in the protein, it is predicted to be benign by multiple in silico algorithms, and/or has population frequency not consistent with disease.